The following is an entry in ClinVar:

ClinVar aggregate classification (germline): Uncertain significance (1 of 4 stars; one submission).

Conditions:
Cardiovascular phenotype. Identifiers: MedGen CN230736.

Submission:

Ambry Genetics
Classification: Uncertain significance for Cardiovascular phenotype. Last evaluated: 2025-05-18. Review status: criteria provided, single submitter. Criteria: Ambry Variant Classification Scheme 2023. Collection method: clinical testing. Allele origin: germline.
Comment: The p.L792H variant (also known as c.2375T>A), located in coding exon 16 of the APOB gene, results from a T to A substitution at nucleotide position 2375. The leucine at codon 792 is replaced by histidine, an amino acid with similar properties. This amino acid position is conserved. In addition, this alteration is predicted to be tolerated by in silico analysis. Based on the available evidence, the clinical significance of this variant remains unclear.

NM_000384.3(APOB):c.2375T>A (p.Leu792His)

Gene: APOB (apolipoprotein B; minus strand). Cytogenetic location: 2p24.1.
Variant type: single nucleotide variant.
Coding change: c.2375T>A on transcript NM_000384.3 (MANE Select); coding-DNA position 2375, T replaced by A.
Protein change: p.Leu792His; replaces leucine 792 with histidine.
Molecular consequence: missense variant.
Genome position (GRCh38, 1-based): chr2:21,024,994, A>T on the plus strand (T>A on the coding strand, the complement: APOB is on the minus strand). VCF-style: chr2-21024994-A-T. GRCh37 (hg19) VCF-style: chr2-21247866-A-T.
Other names: short protein forms L792H.
Identifiers: ClinVar variation 3933142 (VCV003933142.1).